The following is an entry in ClinVar:

NM_001032386.2(SUOX):c.544C>T (p.Arg182Cys)

Gene: SUOX (sulfite oxidase; plus strand). Cytogenetic location: 12q13.2.
Variant type: single nucleotide variant.
Coding change: c.544C>T on transcript NM_001032386.2 (MANE Select); coding-DNA position 544, C replaced by T.
Protein change: p.Arg182Cys; replaces arginine 182 with cysteine.
Molecular consequence: missense variant.
Genome position (GRCh38, 1-based): chr12:56,003,933, C>T. VCF-style: chr12-56003933-C-T. GRCh37 (hg19) VCF-style: chr12-56397717-C-T.
Other names: c.544C>T (NM_000456.2); c.544C>T, p.Arg182Cys (NM_000456.3, NM_001032387.2); short protein forms R182C.
Identifiers: ClinVar variation 1000163 (VCV001000163.8), dbSNP rs1286041313, ClinGen allele CA385284483.

ClinVar aggregate classification (germline): Uncertain significance. Review status: criteria provided, multiple submitters, no conflicts (2 of 4 stars). 2 submissions from 2 submitters: Uncertain significance (2). Last evaluated 2024-06-03.

Conditions:
Inborn genetic diseases. Identifiers: MedGen C0950123, MeSH D030342.
Sulfite oxidase deficiency. Also called: Isolated sulfite oxidase deficiency. Identifiers: Orphanet 833, Orphanet 99731, MedGen C0268624, MONDO:0010089, OMIM 272300, HP:0003643.

Allele frequency attached by ClinVar (database versions not stated): gnomAD exomes below 0.00001; gnomAD 0.00001; TOPMed 0.00001.
gnomAD v4.1: 9 of 1,614,014 alleles (0.00056%); highest among the groups gnomAD compares: South Asian, 0.0022%; no homozygotes.

Submissions (2):

Labcorp Genetics (formerly Invitae), Labcorp
Classification: Uncertain significance for Sulfite oxidase deficiency. Last evaluated: 2024-06-03. Review status: criteria provided, single submitter. Criteria: Invitae Variant Classification Sherloc (09022015). Collection method: clinical testing. Allele origin: germline.
Comment: This sequence change replaces arginine, which is basic and polar, with cysteine, which is neutral and slightly polar, at codon 182 of the SUOX protein (p.Arg182Cys). This variant is present in population databases (no rsID available, gnomAD 0.0009%). This variant has not been reported in the literature in individuals affected with SUOX-related conditions. ClinVar contains an entry for this variant (Variation ID: 1000163). Advanced modeling of protein sequence and biophysical properties (such as structural, functional, and spatial information, amino acid conservation, physicochemical variation, residue mobility, and thermodynamic stability) performed at Invitae indicates that this missense variant is expected to disrupt SUOX protein function with a positive predictive value of 80%. In summary, the available evidence is currently insufficient to determine the role of this variant in disease. Therefore, it has been classified as a Variant of Uncertain Significance.

Ambry Genetics
Classification: Uncertain significance for Inborn genetic diseases. Last evaluated: 2021-06-18. Review status: criteria provided, single submitter. Criteria: Ambry Variant Classification Scheme 2023. Collection method: clinical testing. Allele origin: germline.